The following is an entry in ClinVar:

ClinVar aggregate classification (germline): Uncertain significance (1 of 4 stars; one submission).

Conditions:
Inborn genetic diseases. Identifiers: MedGen C0950123, MeSH D030342.

Submission:

Ambry Genetics
Classification: Uncertain significance for Inborn genetic diseases. Last evaluated: 2025-08-05. Review status: criteria provided, single submitter. Criteria: Ambry Variant Classification Scheme 2023. Collection method: clinical testing. Allele origin: germline.
Comment: The c.1664_1665delCC (p.P555Rfs*77) alteration, located in exon 7 (coding exon 6) of the GATA6 gene, consists of a deletion of 2 nucleotides from position 1664 to 1665, causing a translational frameshift with a predicted alternate stop codon after 77 amino acids. This variant is not expected to trigger nonsense-mediated mRNA decay, and impacts the last 6.9% of the protein. The exact functional effect of this alteration is unknown. This variant was not reported in population-based cohorts in the Genome Aggregation Database (gnomAD). Based on insufficient or conflicting evidence, the clinical significance of this alteration remains unclear.

NM_005257.6(GATA6):c.1664_1665del (p.Pro555fs)

Gene: GATA6 (GATA binding protein 6; plus strand). Cytogenetic location: 18q11.2.
Variant type: Deletion.
Coding change: c.1664_1665del on transcript NM_005257.6 (MANE Select); coding-DNA positions 1664 to 1665, 2 bases deleted (CC; older notation c.1664_1665delCC).
Protein change: p.Pro555fs; shifts the reading frame from proline 555.
Molecular consequence: frameshift variant.
Genome position (GRCh38, 1-based): chr18:22,200,699-22,200,700, CC deleted; deleting any 2 consecutive bases within chr18:22,200,698-22,200,700 gives the same sequence; the c. name uses the placement nearest the transcript's 3' end. VCF-style (leftmost placement, unchanged base first): chr18-22200697-TCC-T. GRCh37 (hg19) VCF-style: chr18-19780660-TCC-T.
Other names: short protein forms P555fs.
Identifiers: ClinVar variation 4262178 (VCV004262178.1).